The following is an entry in ClinVar:

ClinVar aggregate classification (germline): Conflicting classifications of pathogenicity. Review status: criteria provided, conflicting classifications (1 of 4 stars). 4 submissions from 4 submitters: Uncertain significance (2); Likely benign (1). 1 of the submissions does not count toward it. Last evaluated 2024-10-15.

Conditions:
Inborn genetic diseases. Identifiers: MedGen C0950123, MeSH D030342.
KIAA0586-related disorder. Also called: KIAA0586- Related disorders; KIAA0586-related condition.
Joubert syndrome 23 (JBTS23). Identifiers: Orphanet 475, MedGen C4084822, MONDO:0014664, OMIM 616490.
Short-rib thoracic dysplasia 14 with polydactyly (SRTD14). Identifiers: Orphanet 397715, MedGen C4225286, MONDO:0014688, OMIM 616546.

Allele frequency attached by ClinVar (database versions not stated): gnomAD exomes 0.00004 and 0.00011; ExAC 0.00019; TOPMed 0.00033; ESP Exome Variant Server 0.00042; gnomAD 0.00044 and 0.00048.
gnomAD v4.1: 125 of 1,605,490 alleles (0.0078%); highest among the groups gnomAD compares: African/African-American, 0.16%; no homozygotes.

Submissions (4):

Blueprint Genetics
Classification: Uncertain significance. Last evaluated: 2024-10-15. Review status: criteria provided, single submitter. Criteria: ACMG Guidelines, 2015. Collection method: clinical testing. Allele origin: germline.

Labcorp Genetics (formerly Invitae), Labcorp
Classification: Uncertain significance for Joubert syndrome 23; Short-rib thoracic dysplasia 14 with polydactyly. Last evaluated: 2022-10-05. Review status: criteria provided, single submitter. Criteria: Invitae Variant Classification Sherloc (09022015). Collection method: clinical testing. Allele origin: germline.
Comment: This sequence change replaces isoleucine, which is neutral and non-polar, with valine, which is neutral and non-polar, at codon 561 of the KIAA0586 protein (p.Ile561Val). This variant is present in population databases (rs61745095, gnomAD 0.2%). This variant has not been reported in the literature in individuals affected with KIAA0586-related conditions. ClinVar contains an entry for this variant (Variation ID: 1009481). Advanced modeling of protein sequence and biophysical properties (such as structural, functional, and spatial information, amino acid conservation, physicochemical variation, residue mobility, and thermodynamic stability) performed at Invitae indicates that this missense variant is not expected to disrupt KIAA0586 protein function. In summary, the available evidence is currently insufficient to determine the role of this variant in disease. Therefore, it has been classified as a Variant of Uncertain Significance.

Ambry Genetics
Classification: Likely benign for Inborn genetic diseases. Last evaluated: 2022-06-09. Review status: criteria provided, single submitter. Criteria: Ambry Variant Classification Scheme 2023. Collection method: clinical testing. Allele origin: germline.

PreventionGenetics, part of Exact Sciences
Classification: Likely benign for KIAA0586-related condition. Last evaluated: 2024-09-06. Review status: no assertion criteria provided. Collection method: clinical testing. Allele origin: germline. Not counted in ClinVar's aggregate classification.
Comment: This variant is classified as likely benign based on ACMG/AMP sequence variant interpretation guidelines (Richards et al. 2015 PMID: 25741868, with internal and published modifications).

NM_001329943.3(KIAA0586):c.1522A>G (p.Ile508Val)

Gene: KIAA0586 (KIAA0586; plus strand). Cytogenetic location: 14q23.1.
Variant type: single nucleotide variant.
Coding change: c.1522A>G on transcript NM_001329943.3 (MANE Select); coding-DNA position 1522, A replaced by G.
Protein change: p.Ile508Val; replaces isoleucine 508 with valine.
Molecular consequence: missense variant.
Genome position (GRCh38, 1-based): chr14:58,457,918, A>G. VCF-style: chr14-58457918-A-G. GRCh37 (hg19) VCF-style: chr14-58924636-A-G.
Other names: c.1522A>G (NM_014749.3); c.1681A>G, p.Ile561Val (NM_001244189.2); c.1477A>G, p.Ile493Val (NM_001244190.2); c.1267A>G, p.Ile423Val (NM_001244191.2, NM_001329945.2, NM_001364700.1 and 1 more transcripts); c.1390A>G, p.Ile464Val (NM_001244192.2); c.1102A>G, p.Ile368Val (NM_001244193.2); c.1522A>G, p.Ile508Val (NM_001329944.2, NM_001329946.2, NM_001329947.2 and 1 more transcripts); c.1681A>G (NM_001244189.1); short protein forms I368V, I423V, I464V, I493V, I508V, I561V.
Identifiers: ClinVar variation 1009481 (VCV001009481.6), dbSNP rs61745095, ClinGen allele CA7205675.
Genomic context (GRCh38, chr14:58,457,918, plus strand): 5'-GAGAAGATTTTGAGAGGAGTACAAAACAATAAAAAAGTACTTGAAGAAAACCTGGAAGCT[A>G]TTATTCGTGCAAAAGATGGAGCTGCCATGTATTCGCTTATCAATGCTTTATCTACCAACA-3'
Protein context (NP_001316872.1, residues 498-518): KKVLEENLEA[Ile508Val]IRAKDGAAMY